The following is an entry in ClinVar:

NM_014956.5(CEP164):c.3528del (p.Lys1176fs)

Gene: CEP164 (centrosomal protein 164; plus strand). Cytogenetic location: 11q23.3.
Variant type: Deletion.
Coding change: c.3528del on transcript NM_014956.5 (MANE Select); coding-DNA position 3528, one base deleted (G; older notation c.3528delG).
Protein change: p.Lys1176fs; shifts the reading frame from lysine 1176.
Molecular consequence: frameshift variant.
Genome position (GRCh38, 1-based): chr11:117,407,951, G deleted. VCF-style (leftmost placement, unchanged base first): chr11-117407950-AG-A. GRCh37 (hg19) VCF-style: chr11-117278666-AG-A.
Other names: c.3537del, p.Lys1179fs (NM_001271933.2); short protein forms K1176fs, K1179fs.
Identifiers: ClinVar variation 2813279 (VCV002813279.3), dbSNP rs1375721511, ClinGen allele CA476899169.

ClinVar aggregate classification (germline): Pathogenic (1 of 4 stars; one submission).

Conditions:
Nephronophthisis 15 (NPHP15). Identifiers: Orphanet 3156, MedGen C3541853, MONDO:0013917, OMIM 614845.

Allele frequency attached by ClinVar (database versions not stated): gnomAD 0.00001; TOPMed 0.00001; ESP Exome Variant Server 0.00008.

Submission:

Labcorp Genetics (formerly Invitae), Labcorp
Classification: Pathogenic for Nephronophthisis 15. Last evaluated: 2023-11-13. Review status: criteria provided, single submitter. Criteria: Invitae Variant Classification Sherloc (09022015). Collection method: clinical testing. Allele origin: germline.
Comment: This sequence change creates a premature translational stop signal (p.Lys1176Asnfs*11) in the CEP164 gene. It is expected to result in an absent or disrupted protein product. Loss-of-function variants in CEP164 are known to be pathogenic (PMID: 22863007, 28125082, 32367404, 34132027, 34499853). This variant is present in population databases (no rsID available, gnomAD 0.01%). This variant has not been reported in the literature in individuals affected with CEP164-related conditions. For these reasons, this variant has been classified as Pathogenic.

Literature cited by the submitters: PubMed 22863007; PubMed 28125082; PubMed 32367404; PubMed 34132027; PubMed 34499853.